The following is an entry in ClinVar:

ClinVar aggregate classification (germline): Uncertain significance (1 of 4 stars; one submission).

Submission:

GeneDx
Classification: Uncertain significance. Last evaluated: 2018-04-17. Review status: criteria provided, single submitter. Criteria: GeneDx Variant Classification (06012015). Collection method: clinical testing. Allele origin: germline. Affected: yes.
Comment: A variant of uncertain significance has been identified in the SCN8A gene. The R844X variant has been reported previously in an individual with intellectual disability; however, additional clinical information was not provided and parental testing was not performed (Grozeva et al., 2015). The R844X variant is not observed in large population cohorts (Lek et al., 2016). This variant is predicted to cause loss of normal protein function either through protein truncation or nonsense-mediated mRNA decay. However, the majority of pathogenic variants reported in the Human Gene Mutation Database in association with SCN8A-related disorders are missense changes (Stenson et al., 2014). Therefore, based on the currently available information, it is unclear whether this variant is a pathogenic variant or a rare benign variant.

NM_001330260.2(SCN8A):c.2530C>T (p.Arg844Ter)

Gene: SCN8A (sodium voltage-gated channel alpha subunit 8; plus strand). Cytogenetic location: 12q13.13.
Variant type: single nucleotide variant.
Coding change: c.2530C>T on transcript NM_001330260.2 (MANE Select); coding-DNA position 2530, C replaced by T.
Protein change: p.Arg844Ter; replaces arginine 844 with a stop codon.
Molecular consequence: nonsense.
Genome position (GRCh38, 1-based): chr12:51,762,662, C>T. VCF-style: chr12-51762662-C-T. GRCh37 (hg19) VCF-style: chr12-52156446-C-T.
Other names: c.2530C>T, p.Arg844Ter (NM_001177984.3, NM_001369788.1, NM_014191.4); short protein forms R844*.
Identifiers: ClinVar variation 523798 (VCV000523798.2), dbSNP rs1555225521, ClinGen allele CA384884759.
Genomic context (GRCh38, chr12:51,762,662, plus strand): 5'-ATTGTCTCCCTCAGTTTAATGGAACTGAGTCTAGCAGACGTGGAGGGGCTTTCAGTGCTG[C>T]GATCTTTCCGATTGGTATTCCATATTTCTCCAATTTCTTTTAACATTTCCTATCTTGCAG-3'